The following is an entry in ClinVar:

ClinVar aggregate classification (germline): Uncertain significance (1 of 4 stars; one submission).

Conditions:
Malignant hyperthermia, susceptibility to, 5 (MHS5). Also called: CACNA1S-Related Malignant Hyperthermia Susceptibility. Identifiers: Orphanet 423, MedGen C1866077, MONDO:0011163, OMIM 601887.

Submission:

All of Us Research Program, National Institutes of Health
Classification: Uncertain significance for Malignant hyperthermia, susceptibility to, 5. Last evaluated: 2024-01-11. Review status: criteria provided, single submitter. Criteria: ACMG Guidelines, 2015. Collection method: clinical testing. Allele origin: germline. Inheritance: Autosomal dominant inheritance. Observed: 1 variant allele, 1 heterozygote.
Comment: This study involves interpretation of variants in research participants for the purpose of population health screening. Participant phenotype was not available at the time of variant classification. Additional details can be found in publication PMID: 35346344, PMCID: PMC8962531

NM_000069.3(CACNA1S):c.4805G>A (p.Gly1602Glu)

Gene: CACNA1S (calcium voltage-gated channel subunit alpha1 S; minus strand). Cytogenetic location: 1q32.1.
Variant type: single nucleotide variant.
Coding change: c.4805G>A on transcript NM_000069.3 (MANE Select); coding-DNA position 4805, G replaced by A.
Protein change: p.Gly1602Glu; replaces glycine 1602 with glutamic acid.
Molecular consequence: missense variant.
Genome position (GRCh38, 1-based): chr1:201,043,524, C>T on the plus strand (G>A on the coding strand, the complement: CACNA1S is on the minus strand). VCF-style: chr1-201043524-C-T. GRCh37 (hg19) VCF-style: chr1-201012652-C-T.
Other names: short protein forms G1602E.
Identifiers: ClinVar variation 3074966 (VCV003074966.1), dbSNP rs2464411972, ClinGen allele CA344137898.